The following is an entry in ClinVar:

NM_001458.5(FLNC):c.4054C>A (p.Arg1352Ser)

Gene: FLNC (filamin C; plus strand). Cytogenetic location: 7q32.1.
Variant type: single nucleotide variant.
Coding change: c.4054C>A on transcript NM_001458.5 (MANE Select); coding-DNA position 4054, C replaced by A.
Protein change: p.Arg1352Ser; replaces arginine 1352 with serine.
Molecular consequence: missense variant.
Genome position (GRCh38, 1-based): chr7:128,846,390, C>A. VCF-style: chr7-128846390-C-A. GRCh37 (hg19) VCF-style: chr7-128486444-C-A.
Other names: c.4054C>A, p.Arg1352Ser (NM_001127487.2); short protein forms R1352S.
Identifiers: ClinVar variation 1737399 (VCV001737399.10), dbSNP rs367931139, ClinGen allele CA4475228.
Genomic context (GRCh38, chr7:128,846,390, plus strand): 5'-GAGGTCGCTGTGCCCAAGAGCCCCTTCCGAGTGGGCGTGACCGAGGGCTGTGATCCCACC[C>A]GCGTCCGAGCCTTCGGGCCAGGCCTGGAGGGTGGCTTGGTCAACAAGGCCAACCGATTCA-3'
Protein context (NP_001449.3, residues 1342-1362): VGVTEGCDPT[Arg1352Ser]VRAFGPGLEG

ClinVar aggregate classification (germline): Conflicting classifications of pathogenicity. Review status: criteria provided, conflicting classifications (1 of 4 stars). 3 submissions from 3 submitters: Uncertain significance (2); Likely benign (1). Last evaluated 2025-10-09.

Conditions:
Distal myopathy with posterior leg and anterior hand involvement. Also called: WILLIAMS DISTAL MYOPATHY. Identifiers: Orphanet 63273, MedGen C3279722, MONDO:0013550, OMIM 614065.
Myofibrillar myopathy 5. Also called: Filaminopathy (type); FILAMINOPATHY, AUTOSOMAL DOMINANT. Identifiers: Orphanet 171445, MedGen C1836050, MONDO:0012289, OMIM 609524.
Hypertrophic cardiomyopathy 26. Also called: Cardiomyopathy, familial hypertrophic, 26. Identifiers: Orphanet 75249, MedGen C4310749, MONDO:0014883, OMIM 617047.
Cardiovascular phenotype. Identifiers: MedGen CN230736.

gnomAD v4.1: 1 of 1,611,316 alleles (0.000062%); highest among the groups gnomAD compares: South Asian, 0.0011%; no homozygotes.

Submissions (3):

GeneDx
Classification: Uncertain significance. Last evaluated: 2025-10-09. Review status: criteria provided, single submitter. Criteria: GeneDx Variant Classification Process June 2021. Collection method: clinical testing. Allele origin: germline.
Comment: Not observed at significant frequency in large population cohorts (gnomAD); In silico analysis supports that this missense variant has a deleterious effect on protein structure/function; Has not been previously published as pathogenic or benign to our knowledge

Ambry Genetics
Classification: Uncertain significance for Cardiovascular phenotype. Last evaluated: 2025-05-24. Review status: criteria provided, single submitter. Criteria: Ambry Variant Classification Scheme 2023. Collection method: clinical testing. Allele origin: germline.
Comment: The p.R1352S variant (also known as c.4054C>A), located in coding exon 23 of the FLNC gene, results from a C to A substitution at nucleotide position 4054. The arginine at codon 1352 is replaced by serine, an amino acid with dissimilar properties. This amino acid position is highly conserved in available vertebrate species. In addition, this alteration is predicted to be deleterious by in silico analysis. Since supporting evidence is limited at this time, the clinical significance of this alteration remains unclear.

Labcorp Genetics (formerly Invitae), Labcorp
Classification: Likely benign for Distal myopathy with posterior leg and anterior hand involvement; Myofibrillar myopathy 5; Hypertrophic cardiomyopathy 26. Last evaluated: 2023-08-01. Review status: criteria provided, single submitter. Criteria: Invitae Variant Classification Sherloc (09022015). Collection method: clinical testing. Allele origin: germline.